The following is an entry in ClinVar:

ClinVar aggregate classification (germline): Conflicting classifications of pathogenicity. Review status: criteria provided, conflicting classifications (1 of 4 stars). 3 submissions from 3 submitters: Uncertain significance (2); Likely benign (1). Last evaluated 2025-12-08.

Conditions:
Inborn genetic diseases. Identifiers: MedGen C0950123, MeSH D030342.

Allele frequency attached by ClinVar (database versions not stated): ExAC 0.00003; gnomAD exomes 0.00003; gnomAD 0.00005.
gnomAD v4.1: 38 of 1,208,739 alleles (0.0031%); highest among the groups gnomAD compares: South Asian, 0.0053%; no homozygotes.

Submissions (3):

Labcorp Genetics (formerly Invitae), Labcorp
Classification: Uncertain significance. Last evaluated: 2025-12-08. Review status: criteria provided, single submitter. Criteria: Invitae Variant Classification Sherloc (09022015). Collection method: clinical testing. Allele origin: germline.
Comment: This sequence change replaces arginine, which is basic and polar, with glutamine, which is neutral and polar, at codon 84 of the RBM10 protein (p.Arg84Gln). The frequency data for this variant in the population databases is considered unreliable, as metrics indicate poor data quality at this position in the gnomAD database. This variant has not been reported in the literature in individuals affected with RBM10-related conditions. ClinVar contains an entry for this variant (Variation ID: 2184334). Invitae Evidence Modeling of protein sequence and biophysical properties (such as structural, functional, and spatial information, amino acid conservation, physicochemical variation, residue mobility, and thermodynamic stability) indicates that this missense variant is not expected to disrupt RBM10 protein function with a negative predictive value of 80%. In summary, the available evidence is currently insufficient to determine the role of this variant in disease. Therefore, it has been classified as a Variant of Uncertain Significance.

CeGaT Center for Human Genetics Tuebingen
Classification: Uncertain significance. Last evaluated: 2023-02-01. Review status: criteria provided, single submitter. Criteria: CeGaT Center For Human Genetics Tuebingen Variant Classification Criteria Version 2. Collection method: clinical testing. Allele origin: germline. Affected: yes. Observed: 1 variant allele.
Comment: RBM10: PP2

Ambry Genetics
Classification: Likely benign for Inborn genetic diseases. Last evaluated: 2022-07-13. Review status: criteria provided, single submitter. Criteria: Ambry Variant Classification Scheme 2023. Collection method: clinical testing. Allele origin: germline.

NM_005676.5(RBM10):c.251G>A (p.Arg84Gln)

Gene: RBM10 (RNA binding motif protein 10; plus strand). Cytogenetic location: Xp11.3.
Variant type: single nucleotide variant.
Coding change: c.251G>A on transcript NM_005676.5 (MANE Select); coding-DNA position 251, G replaced by A.
Protein change: p.Arg84Gln; replaces arginine 84 with glutamine.
Molecular consequence: missense variant. On other transcripts: intron variant (2).
Genome position (GRCh38, 1-based): chrX:47,171,077, G>A. VCF-style: chrX-47171077-G-A. GRCh37 (hg19) VCF-style: chrX-47030476-G-A.
Other names: c.251G>A, p.Arg84Gln (NM_001204467.2); c.446G>A, p.Arg149Gln (NM_001204468.2); c.201+1579G>A (NM_001204466.2, NM_152856.3); c.251G>A (NM_005676.4); short protein forms R149Q, R84Q.
Identifiers: ClinVar variation 2184334 (VCV002184334.29), dbSNP rs782227221, ClinGen allele CA10395076.